The following is an entry in ClinVar:

NM_001018005.2(TPM1):c.384A>C (p.Lys128Asn)

Gene: TPM1 (tropomyosin 1; plus strand). Cytogenetic location: 15q22.2.
Variant type: single nucleotide variant.
Coding change: c.384A>C on transcript NM_001018005.2 (MANE Select); coding-DNA position 384, A replaced by C.
Protein change: p.Lys128Asn; replaces lysine 128 with asparagine.
Molecular consequence: missense variant.
Genome position (GRCh38, 1-based): chr15:63,059,572, A>C. VCF-style: chr15-63059572-A-C. GRCh37 (hg19) VCF-style: chr15-63351771-A-C.
Other names: c.384A>C, p.Lys128Asn (NM_001365776.1, NM_001365777.1, NM_001365779.1 and 20 more transcripts); c.510A>C, p.Lys170Asn (NM_001365778.1, NM_001407322.1, NM_001407323.1 and 1 more transcripts); c.276A>C, p.Lys92Asn (NM_001365780.1, NM_001365781.2, NM_001365782.1 and 9 more transcripts); short protein forms K92N, K128N, K170N.
Identifiers: ClinVar variation 2129483 (VCV002129483.4), dbSNP rs2542774559, ClinGen allele CA392721972.

ClinVar aggregate classification (germline): Uncertain significance (1 of 4 stars; one submission).

Conditions:
Hypertrophic cardiomyopathy. Also called: HYPERTROPHIC MYOCARDIOPATHY. Identifiers: Orphanet 217569, MedGen C0007194, MeSH D002312, MONDO:0005045, HP:0001639.

Submission:

Labcorp Genetics (formerly Invitae), Labcorp
Classification: Uncertain significance for Hypertrophic cardiomyopathy. Last evaluated: 2024-03-07. Review status: criteria provided, single submitter. Criteria: Invitae Variant Classification Sherloc (09022015). Collection method: clinical testing. Allele origin: germline.
Comment: This sequence change replaces lysine, which is basic and polar, with asparagine, which is neutral and polar, at codon 128 of the TPM1 protein (p.Lys128Asn). This variant is not present in population databases (gnomAD no frequency). This variant has not been reported in the literature in individuals affected with TPM1-related conditions. ClinVar contains an entry for this variant (Variation ID: 2129483). An algorithm developed to predict the effect of missense changes on protein structure and function (PolyPhen-2) suggests that this variant is likely to be disruptive. In summary, the available evidence is currently insufficient to determine the role of this variant in disease. Therefore, it has been classified as a Variant of Uncertain Significance.